The following is an entry in ClinVar:

ClinVar aggregate classification (germline): Pathogenic (1 of 4 stars; one submission).

Conditions:
Propionic acidemia (PROP). Also called: GLYCINEMIA, KETOTIC; HYPERGLYCINEMIA WITH KETOACIDOSIS AND LEUKOPENIA; KETOTIC HYPERGLYCINEMIA. Identifiers: Orphanet 35, MedGen C0268579, MONDO:0011628, OMIM 606054, HP:0003571.

Submission:

Myriad Genetics, Inc.
Classification: Pathogenic for Propionic acidemia. Last evaluated: 2024-02-19. Review status: criteria provided, single submitter. Criteria: Myriad Autosomal Dominant, Autosomal Recessive and X-Linked Classification Criteria (2023). Collection method: clinical testing. Allele origin: unknown.
Comment: NM_000282.3(PCCA):c.1323delT(S442Afs*7) is expected to be pathogenic in the context of PCCA-related propionic acidemia. This variant is predicted to lead to an abnormal or absent protein product due to the creation of a premature termination codon in PCCA, a gene where loss-of-function variants are known to be pathogenic. Please note: this variant was assessed in the context of healthy population screening.

NM_000282.4(PCCA):c.1323del (p.Ser442fs)

Gene: PCCA (propionyl-CoA carboxylase subunit alpha; plus strand). Cytogenetic location: 13q32.3.
Variant type: Deletion.
Coding change: c.1323del on transcript NM_000282.4 (MANE Select); coding-DNA position 1323, one base deleted (T; older notation c.1323delT).
Protein change: p.Ser442fs; shifts the reading frame from serine 442.
Molecular consequence: frameshift variant. On other transcripts: non-coding transcript variant (5).
Genome position (GRCh38, 1-based): chr13:100,307,230, T deleted; the last of 2 consecutive T bases (chr13:100,307,229-100,307,230); deleting either gives the same sequence. VCF-style (leftmost placement, unchanged base first): chr13-100307228-AT-A. GRCh37 (hg19) VCF-style: chr13-100959482-AT-A.
Other names: c.1245del, p.Ser416fs (NM_001127692.3, NM_001352607.2); c.1323del, p.Ser442fs (NM_001178004.2, NM_001352605.2, NM_001352609.2); c.1179del, p.Ser394fs (NM_001352606.2); c.1101del, p.Ser368fs (NM_001352608.2); c.378del, p.Ser127fs (NM_001352610.2, NM_001352611.2); c.234del, p.Ser79fs (NM_001352612.2); short protein forms S127fs, S368fs, S394fs, S416fs, S442fs, S79fs.
Identifiers: ClinVar variation 5012756 (VCV005012756.1).